The following is an entry in ClinVar:

NM_017780.4(CHD7):c.3404C>A (p.Thr1135Asn)

Gene: CHD7 (chromodomain helicase DNA binding protein 7; plus strand). Cytogenetic location: 8q12.2.
Variant type: single nucleotide variant.
Coding change: c.3404C>A on transcript NM_017780.4 (MANE Select); coding-DNA position 3404, C replaced by A.
Protein change: p.Thr1135Asn; replaces threonine 1135 with asparagine.
Molecular consequence: missense variant. On other transcripts: intron variant (1).
Genome position (GRCh38, 1-based): chr8:60,828,688, C>A. VCF-style: chr8-60828688-C-A. GRCh37 (hg19) VCF-style: chr8-61741247-C-A.
Other names: NM_017780.4:c.3404C>A; c.1717-33541C>A (NM_001316690.1); short protein forms T1135N.
Identifiers: ClinVar variation 4070934 (VCV004070934.1).

ClinVar aggregate classification (germline): Uncertain significance (1 of 4 stars; one submission).

Conditions:
CHARGE syndrome (CHARGE). Also called: Hittner Hirsch Kreh syndrome; CHARGE ASSOCIATION--COLOBOMA, HEART ANOMALY, CHOANAL ATRESIA, RETARDATION, GENITAL AND EAR ANOMALIES; Coloboma, heart anomaly, choanal atresia, retardation, genital and ear anomalies; CHARGE association; Hall-Hittner syndrome. Identifiers: Orphanet 138, MedGen C0265354, MONDO:0008965.

Submission:

Broad Center for Mendelian Genomics, Broad Institute of MIT and Harvard
Classification: Uncertain significance for CHARGE syndrome. Last evaluated: 2025-06-23. Review status: criteria provided, single submitter. Criteria: ACMG Guidelines, 2015. Collection method: curation. Allele origin: germline. Inheritance: Autosomal dominant inheritance. Study: GREGoR Consortium.
Comment: This variant was absent from large population studies. Computational prediction tools and conservation analyses suggest that this variant may impact the protein, though this information is not predictive enough to determine pathogenicity. The number of missense variants reported in CHD7 in the general population is lower than expected, suggesting there is little benign variation in this gene and slightly increasing the possibility that a missense variant in this gene may not be tolerated. In summary, while there is some suspicion for a pathogenic role, the clinical significance of this variant is uncertain. ACMG/AMP Criteria applied: PP3_moderate, PP2, PM2_supporting (Richards 2015).